The following is an entry in ClinVar:

NM_000051.4(ATM):c.1413C>T (p.Asn471=)

Gene: ATM (ATM serine/threonine kinase; plus strand). Cytogenetic location: 11q22.3.
Variant type: single nucleotide variant.
Coding change: c.1413C>T on transcript NM_000051.4 (MANE Select); coding-DNA position 1413, C replaced by T.
Protein change: p.Asn471=; no amino-acid change (asparagine 471 retained).
Molecular consequence: synonymous variant.
Genome position (GRCh38, 1-based): chr11:108,250,878, C>T. VCF-style: chr11-108250878-C-T. GRCh37 (hg19) VCF-style: chr11-108121605-C-T.
Other names: c.1413C>T, p.Asn471= (NM_001351834.2).
Identifiers: ClinVar variation 4535911 (VCV004535911.1).

ClinVar aggregate classification (germline): Likely benign (1 of 4 stars; one submission).

Submission:

Women's Health and Genetics/Laboratory Corporation of America, LabCorp
Classification: Likely benign. Last evaluated: 2025-09-02. Review status: criteria provided, single submitter. Criteria: LabCorp Variant Classification Summary - May 2015. Collection method: clinical testing. Allele origin: germline.
Comment: Variant summary: ATM c.1413C>T results in a synonymous change. Consensus agreement among computation tools predict no significant impact on normal splicing. However, these predictions have yet to be confirmed by functional studies. The variant was absent in 251406 control chromosomes. The available data on variant occurrences in the general population are insufficient to allow any conclusion about variant significance. To our knowledge, no occurrence of c.1413C>T in individuals affected with ATM-related conditions and no experimental evidence demonstrating its impact on protein function have been reported. No submitters have cited clinical-significance assessments for this variant to ClinVar. Based on the evidence outlined above, the variant was classified as likely benign.